The following is an entry in ClinVar:

ClinVar aggregate classification (germline): Uncertain significance (1 of 4 stars; one submission).

Conditions:
Primary ciliary dyskinesia. Also called: Ciliary dyskinesia. Identifiers: Orphanet 244, MedGen C0008780, MONDO:0016575, HP:0012265.

Submission:

Labcorp Genetics (formerly Invitae), Labcorp
Classification: Uncertain significance for Primary ciliary dyskinesia. Last evaluated: 2024-09-24. Review status: criteria provided, single submitter. Criteria: Invitae Variant Classification Sherloc (09022015). Collection method: clinical testing. Allele origin: germline.
Comment: This sequence change falls in intron 5 of the RSPH4A gene. It does not directly change the encoded amino acid sequence of the RSPH4A protein. It affects a nucleotide within the consensus splice site. This variant is not present in population databases (gnomAD no frequency). This variant has not been reported in the literature in individuals affected with RSPH4A-related conditions. Variants that disrupt the consensus splice site are a relatively common cause of aberrant splicing (PMID: 17576681, 9536098). Algorithms developed to predict the effect of sequence changes on RNA splicing suggest that this variant may disrupt the consensus splice site. In summary, the available evidence is currently insufficient to determine the role of this variant in disease. Therefore, it has been classified as a Variant of Uncertain Significance.

Literature cited by the submitters: PubMed 17576681; PubMed 9536098.

NM_001010892.3(RSPH4A):c.1916+2dup

Gene: RSPH4A (radial spoke head component 4A; plus strand). Cytogenetic location: 6q22.1.
Variant type: Duplication.
Coding change: c.1916+2dup on transcript NM_001010892.3 (MANE Select); the canonical splice donor site of the intron after coding-DNA position 1916, one base duplicated (T; older notation c.1916+2dupT).
Molecular consequence: splice donor variant.
Genome position (GRCh38, 1-based): chr6:116,630,554, T duplicated. VCF-style (leftmost placement, unchanged base first): chr6-116630553-G-GT. GRCh37 (hg19) VCF-style: chr6-116951716-G-GT.
Other names: c.1780+2dup (NM_001161664.2).
Identifiers: ClinVar variation 3644361 (VCV003644361.2).